The following is an entry in ClinVar:

ClinVar aggregate classification (germline): Uncertain significance (1 of 4 stars; one submission).

Conditions:
Acquired hemoglobin H disease (ATMDS). Also called: Alpha-thalassemia myelodysplasia syndrome; Alpha-thalassemia myelodysplasia syndrome, somatic; Alpha-thalassemia-myelodysplastic syndrome. Identifiers: Orphanet 231401, MedGen C0585216, MONDO:0010328, OMIM 300448.
Alpha thalassemia-X-linked intellectual disability syndrome (ATRX). Also called: ALPHA-THALASSEMIA/MENTAL RETARDATION SYNDROME, X-LINKED; ATR, NONDELETION TYPE; ATR-X syndrome; Alpha thalassemia mental retardation syndrome, nondeletion type, X-linked; XLMR hypotonic face syndrome; X-linked alpha-thalassemia-mental retardation syndrome. Identifiers: Orphanet 847, MedGen C1845055, MONDO:0010519, OMIM 301040.
Intellectual disability-hypotonic facies syndrome, X-linked, 1 (MRXHF1). Also called: Carpenter-Waziri syndrome; HOLMES-GANG SYNDROME; XLMR-HYPOTONIC FACIES SYNDROME; Smith Fineman Myers syndrome 1; X-linked intellectual disability-hypotonic face syndrome; CHUDLEY-LOWRY SYNDROME. Identifiers: Orphanet 73220, Orphanet 93970, Orphanet 93971, Orphanet 93972, Orphanet 93973, Orphanet 93974, Orphanet 93975, MedGen C4759781, MONDO:0010663, OMIM 309580.

Submission:

Juno Genomics, Hangzhou Juno Genomics, Inc
Classification: Uncertain significance for Alpha thalassemia-X-linked intellectual disability syndrome; Acquired hemoglobin H disease; Intellectual disability-hypotonic facies syndrome, X-linked, 1. Review status: criteria provided, single submitter. Criteria: ACMG Guidelines, 2015. Collection method: clinical testing. Allele origin: germline.
Comment: Absent from controls (or at extremely low frequency if recessive) in Genome Aggregation Database.

NM_000489.6(ATRX):c.4204C>G (p.Pro1402Ala)

Gene: ATRX (ATRX chromatin remodeler; minus strand). Cytogenetic location: Xq21.1.
Variant type: single nucleotide variant.
Coding change: c.4204C>G on transcript NM_000489.6 (MANE Select); coding-DNA position 4204, C replaced by G.
Protein change: p.Pro1402Ala; replaces proline 1402 with alanine.
Molecular consequence: missense variant.
Genome position (GRCh38, 1-based): chrX:77,656,570, G>C on the plus strand (C>G on the coding strand, the complement: ATRX is on the minus strand). VCF-style: chrX-77656570-G-C. GRCh37 (hg19) VCF-style: chrX-76912060-G-C.
Other names: c.4090C>G, p.Pro1364Ala (NM_138270.5); short protein forms P1402A, P1364A.
Identifiers: ClinVar variation 5007602 (VCV005007602.2).
Genomic context (GRCh38, chrX:77,656,570, plus strand): 5'-ATGGTCATTCAGATTAATTCCTAAAATTTTTTAAAAACCAATTATAATACCTTGTTCTGG[G>C]CCGCTGTTCATCTTCGGATTCACTAACTTCTTCACTAACTCCTGATTCCTGAAAATCAGA-3'
Protein context (NP_000480.3, residues 1392-1412): EVSESEDEQR[Pro1402Ala]RTRSAKKAEL